The following is an entry in ClinVar:

NM_001130823.3(DNMT1):c.172A>C (p.Lys58Gln)

Gene: DNMT1 (DNA methyltransferase 1; minus strand). Cytogenetic location: 19p13.2.
Variant type: single nucleotide variant.
Coding change: c.172A>C on transcript NM_001130823.3 (MANE Select); coding-DNA position 172, A replaced by C.
Protein change: p.Lys58Gln; replaces lysine 58 with glutamine.
Molecular consequence: missense variant. On other transcripts: 5 prime UTR variant (1).
Genome position (GRCh38, 1-based): chr19:10,180,831, T>G on the plus strand (A>C on the coding strand, the complement: DNMT1 is on the minus strand). VCF-style: chr19-10180831-T-G. GRCh37 (hg19) VCF-style: chr19-10291507-T-G.
Other names: c.172A>C, p.Lys58Gln (NM_001318730.2, NM_001379.4); c.-152A>C (NM_001318731.2); short protein forms K58Q.
Identifiers: ClinVar variation 1061763 (VCV001061763.9), dbSNP rs2145379807, ClinGen allele CA403947159.

ClinVar aggregate classification (germline): Uncertain significance (1 of 4 stars; one submission).

Conditions:
Hereditary sensory neuropathy-deafness-dementia syndrome. Also called: HSN IE; Hereditary sensory neuropathy type IE; Hereditary Sensory and Autonomic Neuropathy Type 1E (HSAN1E); NEUROPATHY, HEREDITARY SENSORY, WITH HEARING LOSS AND DEMENTIA. Identifiers: Orphanet 456318, MedGen C3279885, MONDO:0013584, OMIM 614116.

Submission:

Labcorp Genetics (formerly Invitae), Labcorp
Classification: Uncertain significance for Hereditary sensory neuropathy-deafness-dementia syndrome. Last evaluated: 2020-03-23. Review status: criteria provided, single submitter. Criteria: Invitae Variant Classification Sherloc (09022015). Collection method: clinical testing. Allele origin: germline.
Comment: This sequence change replaces lysine with glutamine at codon 58 of the DNMT1 protein (p.Lys58Gln). The lysine residue is weakly conserved and there is a small physicochemical difference between lysine and glutamine. This variant is not present in population databases (ExAC no frequency). This variant has not been reported in the literature in individuals with DNMT1-related conditions. Algorithms developed to predict the effect of missense changes on protein structure and function output the following: SIFT: "Tolerated"; PolyPhen-2: "Benign"; Align-GVGD: "Class C0". The glutamine amino acid residue is found in multiple mammalian species, suggesting that this missense change does not adversely affect protein function. These predictions have not been confirmed by published functional studies and their clinical significance is uncertain. In summary, the available evidence is currently insufficient to determine the role of this variant in disease. Therefore, it has been classified as a Variant of Uncertain Significance.